The following is an entry in ClinVar:

NM_025193.4(HSD3B7):c.94C>T (p.Arg32Trp)

Gene: HSD3B7 (hydroxy-delta-5-steroid dehydrogenase, 3 beta- and steroid delta-isomerase 7; plus strand). Cytogenetic location: 16p11.2.
Variant type: single nucleotide variant.
Coding change: c.94C>T on transcript NM_025193.4 (MANE Select); coding-DNA position 94, C replaced by T.
Protein change: p.Arg32Trp; replaces arginine 32 with tryptophan.
Molecular consequence: missense variant.
Genome position (GRCh38, 1-based): chr16:30,985,752, C>T. VCF-style: chr16-30985752-C-T. GRCh37 (hg19) VCF-style: chr16-30997073-C-T.
Other names: c.94C>T, p.Arg32Trp (NM_001142777.2, NM_001142778.2); c.94C>T (NM_025193.3); short protein forms R32W.
Identifiers: ClinVar variation 594093 (VCV000594093.7), dbSNP rs775304061, ClinGen allele CA8017849.

ClinVar aggregate classification (germline): Uncertain significance. Review status: criteria provided, multiple submitters, no conflicts (2 of 4 stars). 3 submissions from 3 submitters: Uncertain significance (3). Last evaluated 2025-12-03.

Conditions:
HSD3B7-related disorder. Also called: HSD3B7-related condition.
Inborn genetic diseases. Identifiers: MedGen C0950123, MeSH D030342.

Allele frequency attached by ClinVar (database versions not stated): gnomAD 0.00001; gnomAD exomes 0.00002; TOPMed 0.00003; ExAC 0.00004.
gnomAD v4.1: 37 of 1,605,794 alleles (0.0023%); highest among the groups gnomAD compares: South Asian, 0.0056%; no homozygotes.

Submissions (3):

PreventionGenetics, part of Exact Sciences
Classification: Uncertain significance for HSD3B7-related condition. Last evaluated: 2025-12-03. Review status: criteria provided, single submitter. Criteria: ACMG Guidelines, 2015. Collection method: clinical testing. Allele origin: germline.
Comment: The HSD3B7 c.94C>T variant is predicted to result in the amino acid substitution p.Arg32Trp. To our knowledge, this variant has not been reported in the literature. This variant is reported in 0.0071% of alleles in individuals of African descent in gnomAD. At this time, the clinical significance of this variant is uncertain due to the absence of conclusive functional and genetic evidence.

Ambry Genetics
Classification: Uncertain significance for Inborn genetic diseases. Last evaluated: 2025-01-18. Review status: criteria provided, single submitter. Criteria: Ambry Variant Classification Scheme 2023. Collection method: clinical testing. Allele origin: germline.

Eurofins Ntd Llc (ga)
Classification: Uncertain significance. Last evaluated: 2017-09-15. Review status: criteria provided, single submitter. Criteria: EGL Classification Definitions 2015. Collection method: clinical testing. Allele origin: germline. Observed: 1 variant allele, 1 heterozygote.